The following is an entry in ClinVar:

NM_001365536.1(SCN9A):c.5185G>A (p.Asp1729Asn)

Genes: SCN1A-AS1 (SCN1A and SCN9A antisense RNA 1; plus strand), SCN9A (sodium voltage-gated channel alpha subunit 9; minus strand). Cytogenetic location: 2q24.3.
Variant type: single nucleotide variant.
Coding change: c.5185G>A on transcript NM_001365536.1 (MANE Select); coding-DNA position 5185, G replaced by A.
Protein change: p.Asp1729Asn; replaces aspartic acid 1729 with asparagine.
Molecular consequence: missense variant.
Genome position (GRCh38, 1-based): chr2:166,199,454, C>T on the plus strand (G>A on the coding strand, the complement: SCN9A is on the minus strand). VCF-style: chr2-166199454-C-T. GRCh37 (hg19) VCF-style: chr2-167055964-C-T.
Other names: c.5152G>A, p.Asp1718Asn (NM_002977.4); short protein forms D1729N, D1718N.
Identifiers: ClinVar variation 2954382 (VCV002954382.3), dbSNP rs1693372939, ClinGen allele CA349054343.
Genomic context (GRCh38, chr2:166,199,454, plus strand): 5'-GGAAGGATATGATGATATAACTAACAAAGTAGAATATTCCAACAGATGGGTTACCACAGT[C>T]TCCTTCAACTGAACTTCCAGGATGAACTTTTTTTGGGTCACAGTCGGGTGGCTTACTGTT-3'
Protein context (NP_001352465.1, residues 1719-1739): KVHPGSSVEG[Asp1729Asn]CGNPSVGIFY

ClinVar aggregate classification (germline): Uncertain significance (1 of 4 stars; one submission).

Conditions:
Neuropathy, hereditary sensory and autonomic, type 2A (HSAN2A). Also called: MORVAN DISEASE; NEUROPATHY, CONGENITAL SENSORY; NEUROPATHY, HEREDITARY SENSORY RADICULAR, AUTOSOMAL RECESSIVE; NEUROPATHY, HEREDITARY SENSORY, TYPE IIA; NEUROPATHY, PROGRESSIVE SENSORY, OF CHILDREN; HSAN IIA. Identifiers: Orphanet 970, MedGen C2752089, MONDO:0024309, OMIM 201300.
Generalized epilepsy with febrile seizures plus, type 7 (GEFSP7). Also called: GEFS+, TYPE 7. Identifiers: Orphanet 36387, MedGen C2751778, MONDO:0013470, OMIM 613863.

Allele frequency attached by ClinVar (database versions not stated): TOPMed 0.00001.

Submission:

Labcorp Genetics (formerly Invitae), Labcorp
Classification: Uncertain significance for Neuropathy, hereditary sensory and autonomic, type 2A; Generalized epilepsy with febrile seizures plus, type 7. Last evaluated: 2024-04-10. Review status: criteria provided, single submitter. Criteria: Invitae Variant Classification Sherloc (09022015). Collection method: clinical testing. Allele origin: germline.
Comment: This sequence change replaces aspartic acid, which is acidic and polar, with asparagine, which is neutral and polar, at codon 1718 of the SCN9A protein (p.Asp1718Asn). This variant is not present in population databases (gnomAD no frequency). This variant has not been reported in the literature in individuals affected with SCN9A-related conditions. Advanced modeling of protein sequence and biophysical properties (such as structural, functional, and spatial information, amino acid conservation, physicochemical variation, residue mobility, and thermodynamic stability) performed at Invitae indicates that this missense variant is not expected to disrupt SCN9A protein function with a negative predictive value of 95%. In summary, the available evidence is currently insufficient to determine the role of this variant in disease. Therefore, it has been classified as a Variant of Uncertain Significance.